The following is an entry in ClinVar:

ClinVar aggregate classification (germline): Uncertain significance (1 of 4 stars; one submission).

Conditions:
Hyperkalemic periodic paralysis. Also called: Familial hyperkalemic periodic paralysis; Gamstorp disease. Identifiers: Orphanet 682, MedGen C0238357, MONDO:0008224, OMIM 170500, HP:0007215.

Submission:

Labcorp Genetics (formerly Invitae), Labcorp
Classification: Uncertain significance for Hyperkalemic periodic paralysis. Last evaluated: 2024-10-31. Review status: criteria provided, single submitter. Criteria: Invitae Variant Classification Sherloc (09022015). Collection method: clinical testing. Allele origin: germline.
Comment: This sequence change replaces methionine, which is neutral and non-polar, with threonine, which is neutral and polar, at codon 1247 of the SCN4A protein (p.Met1247Thr). This variant is present in population databases (rs775218937, gnomAD 0.0009%). This variant has not been reported in the literature in individuals affected with SCN4A-related conditions. Invitae Evidence Modeling of protein sequence and biophysical properties (such as structural, functional, and spatial information, amino acid conservation, physicochemical variation, residue mobility, and thermodynamic stability) has been performed for this missense variant. However, the output from this modeling did not meet the statistical confidence thresholds required to predict the impact of this variant on SCN4A protein function. In summary, the available evidence is currently insufficient to determine the role of this variant in disease. Therefore, it has been classified as a Variant of Uncertain Significance.

NM_000334.4(SCN4A):c.3740T>C (p.Met1247Thr)

Genes: SCN4A (sodium voltage-gated channel alpha subunit 4; minus strand), GH-LCR (growth hormone locus control region; plus strand). Cytogenetic location: 17q23.3.
Variant type: single nucleotide variant.
Coding change: c.3740T>C on transcript NM_000334.4 (MANE Select); coding-DNA position 3740, T replaced by C.
Protein change: p.Met1247Thr; replaces methionine 1247 with threonine.
Molecular consequence: missense variant.
Genome position (GRCh38, 1-based): chr17:63,945,041, A>G on the plus strand (T>C on the coding strand, the complement: SCN4A is on the minus strand). VCF-style: chr17-63945041-A-G. GRCh37 (hg19) VCF-style: chr17-62022401-A-G.
Other names: short protein forms M1247T.
Identifiers: ClinVar variation 3683964 (VCV003683964.2).
Genomic context (GRCh38, chr17:63,945,041, plus strand): 5'-GCCACATCTCAGCGACCCCGACTCACCTCCCGGGAGTCCACGGCTGCATACATGATGTCC[A>G]TCCAACCCTTGAAGGTGGCCTGAGAGAGTGTGGTTGGGGAGTGAGCCGGGGGGCTGCTCC-3'
Protein context (NP_000325.4, residues 1237-1257): LLQVATFKGW[Met1247Thr]DIMYAAVDSR